The following is an entry in ClinVar:

NM_058246.4(DNAJB6):c.66-79G>C

Gene: DNAJB6 (DnaJ heat shock protein family (Hsp40) member B6; plus strand). Cytogenetic location: 7q36.3.
Variant type: single nucleotide variant.
Coding change: c.66-79G>C on transcript NM_058246.4 (MANE Select); 79 bases into the intron before coding-DNA position 66, G replaced by C.
Molecular consequence: intron variant.
Genome position (GRCh38, 1-based): chr7:157,363,082, G>C. VCF-style: chr7-157363082-G-C. GRCh37 (hg19) VCF-style: chr7-157155776-G-C.
Other names: c.66-79G>C (NM_001363676.1, NM_005494.3).
Identifiers: ClinVar variation 679397 (VCV000679397.1), dbSNP rs115765858, ClinGen allele CA169851782.

ClinVar aggregate classification (germline): Likely benign (1 of 4 stars; one submission).

Allele frequency attached by ClinVar (database versions not stated): 1000 Genomes Project 0.00379; TOPMed 0.00467; gnomAD 0.00487.
gnomAD v4.1: 1,088 of 950,646 alleles (0.11%); highest among the groups gnomAD compares: African/African-American, 1.5%; 7 homozygotes.

Submission:

GeneDx
Classification: Likely benign. Last evaluated: 2018-06-19. Review status: criteria provided, single submitter. Criteria: GeneDx Variant Classification (06012015). Collection method: clinical testing. Allele origin: germline. Affected: yes.
Comment: This variant is considered likely benign or benign based on one or more of the following criteria: it is a conservative change, it occurs at a poorly conserved position in the protein, it is predicted to be benign by multiple in silico algorithms, and/or has population frequency not consistent with disease.